The following is an entry in ClinVar:

NM_144631.6(ZNF513):c.1538C>T (p.Pro513Leu)

Gene: ZNF513 (zinc finger protein 513; minus strand). Cytogenetic location: 2p23.3.
Variant type: single nucleotide variant.
Coding change: c.1538C>T on transcript NM_144631.6 (MANE Select); coding-DNA position 1538, C replaced by T.
Protein change: p.Pro513Leu; replaces proline 513 with leucine.
Molecular consequence: missense variant.
Genome position (GRCh38, 1-based): chr2:27,377,633, G>A on the plus strand (C>T on the coding strand, the complement: ZNF513 is on the minus strand). VCF-style: chr2-27377633-G-A. GRCh37 (hg19) VCF-style: chr2-27600500-G-A.
Other names: c.1352C>T, p.Pro451Leu (NM_001201459.2); short protein forms P513L, P451L.
Identifiers: ClinVar variation 1512723 (VCV001512723.9), dbSNP rs144864988, ClinGen allele CA1577779.

ClinVar aggregate classification (germline): Uncertain significance. Review status: criteria provided, multiple submitters, no conflicts (2 of 4 stars). 2 submissions from 2 submitters: Uncertain significance (2). Last evaluated 2023-11-06.

Allele frequency attached by ClinVar (database versions not stated): TOPMed 0.00005; gnomAD 0.00006 and 0.00007; ESP Exome Variant Server 0.00008.

Submissions (2):

Blueprint Genetics
Classification: Uncertain significance. Last evaluated: 2023-11-06. Review status: criteria provided, single submitter. Criteria: ACMG Guidelines, 2015. Collection method: clinical testing. Allele origin: germline.

Labcorp Genetics (formerly Invitae), Labcorp
Classification: Uncertain significance. Last evaluated: 2023-04-03. Review status: criteria provided, single submitter. Criteria: Invitae Variant Classification Sherloc (09022015). Collection method: clinical testing. Allele origin: germline.
Comment: In summary, the available evidence is currently insufficient to determine the role of this variant in disease. Therefore, it has been classified as a Variant of Uncertain Significance. An algorithm developed to predict the effect of missense changes on protein structure and function (PolyPhen-2) suggests that this variant is likely to be tolerated. ClinVar contains an entry for this variant (Variation ID: 1512723). This variant has not been reported in the literature in individuals affected with ZNF513-related conditions. This variant is present in population databases (rs144864988, gnomAD 0.02%). This sequence change replaces proline, which is neutral and non-polar, with leucine, which is neutral and non-polar, at codon 513 of the ZNF513 protein (p.Pro513Leu).